The following is an entry in ClinVar:

NM_001134831.2(AHI1):c.3111G>C (p.Gly1037=)

Gene: AHI1 (Abelson helper integration site 1; minus strand). Cytogenetic location: 6q23.3.
Variant type: single nucleotide variant.
Coding change: c.3111G>C on transcript NM_001134831.2 (MANE Select); coding-DNA position 3111, G replaced by C.
Protein change: p.Gly1037=; no amino-acid change (glycine 1037 retained).
Molecular consequence: synonymous variant.
Genome position (GRCh38, 1-based): chr6:135,358,186, C>G on the plus strand (G>C on the coding strand, the complement: AHI1 is on the minus strand). VCF-style: chr6-135358186-C-G. GRCh37 (hg19) VCF-style: chr6-135679324-C-G.
Other names: c.3111G>C (NM_017651.4); c.3111G>C, p.Gly1037= (NM_001134830.2, NM_001350503.2, NM_001350504.2 and 1 more transcripts).
Identifiers: ClinVar variation 2917751 (VCV002917751.4), dbSNP rs375317660, ClinGen allele CA4012107.

ClinVar aggregate classification (germline): Likely benign. Review status: criteria provided, multiple submitters, no conflicts (2 of 4 stars). 2 submissions from 2 submitters: Likely benign (2). Last evaluated 2025-11-11.

Conditions:
AHI1-related disorder. Also called: AHI1-related condition.
Joubert syndrome. Also called: Familial aplasia of the vermis; JOUBERT-BOLTSHAUSER SYNDROME. Identifiers: Orphanet 475, MedGen C5979921, MONDO:0018772.

Allele frequency attached by ClinVar (database versions not stated): gnomAD 0.00001; TOPMed 0.00001; ExAC 0.00002; ESP Exome Variant Server 0.00008.
gnomAD v4.1: 21 of 1,611,690 alleles (0.0013%); highest among the groups gnomAD compares: Middle Eastern, 0.033%; no homozygotes.

Submissions (2):

PreventionGenetics, part of Exact Sciences
Classification: Likely benign for AHI1-related condition. Last evaluated: 2025-11-11. Review status: criteria provided, single submitter. Criteria: ACMG Guidelines, 2015. Collection method: clinical testing. Allele origin: germline.
Comment: This variant is classified as likely benign based on ACMG/AMP sequence variant interpretation guidelines (Richards et al. 2015 PMID: 25741868, with internal and published modifications).

Labcorp Genetics (formerly Invitae), Labcorp
Classification: Likely benign for Joubert syndrome. Last evaluated: 2024-01-29. Review status: criteria provided, single submitter. Criteria: Invitae Variant Classification Sherloc (09022015). Collection method: clinical testing. Allele origin: germline.